The following is an entry in ClinVar:

NM_015072.5(TTLL5):c.2760A>C (p.Gln920His)

Gene: TTLL5 (tubulin tyrosine ligase like 5; plus strand). Cytogenetic location: 14q24.3.
Variant type: single nucleotide variant.
Coding change: c.2760A>C on transcript NM_015072.5 (MANE Select); coding-DNA position 2760, A replaced by C.
Protein change: p.Gln920His; replaces glutamine 920 with histidine.
Molecular consequence: missense variant.
Genome position (GRCh38, 1-based): chr14:75,783,304, A>C. VCF-style: chr14-75783304-A-C. GRCh37 (hg19) VCF-style: chr14-76249647-A-C.
Other names: short protein forms Q920H.
Identifiers: ClinVar variation 1502029 (VCV001502029.8), dbSNP rs765493292, ClinGen allele CA390472314.

ClinVar aggregate classification (germline): Uncertain significance (1 of 4 stars; one submission).

gnomAD v4.1: 4 of 1,613,880 alleles (0.00025%); highest among the groups gnomAD compares: Non-Finnish European, 0.00034%; no homozygotes.

Submission:

Labcorp Genetics (formerly Invitae), Labcorp
Classification: Uncertain significance. Last evaluated: 2021-04-29. Review status: criteria provided, single submitter. Criteria: Invitae Variant Classification Sherloc (09022015). Collection method: clinical testing. Allele origin: germline.
Comment: Algorithms developed to predict the effect of missense changes on protein structure and function output the following: SIFT: "Tolerated"; PolyPhen-2: "Benign"; Align-GVGD: "Class C0". The histidine amino acid residue is found in multiple mammalian species, suggesting that this missense change does not adversely affect protein function. These predictions have not been confirmed by published functional studies and their clinical significance is uncertain. In summary, the available evidence is currently insufficient to determine the role of this variant in disease. Therefore, it has been classified as a Variant of Uncertain Significance. This sequence change replaces glutamine with histidine at codon 920 of the TTLL5 protein (p.Gln920His). The glutamine residue is weakly conserved and there is a small physicochemical difference between glutamine and histidine. This variant is not present in population databases (ExAC no frequency). This variant has not been reported in the literature in individuals with TTLL5-related conditions.